The following is an entry in ClinVar:

ClinVar aggregate classification (germline): Uncertain significance (1 of 4 stars; one submission).

Allele frequency attached by ClinVar (database versions not stated): TOPMed below 0.00001; gnomAD 0.00001; gnomAD exomes 0.00001; ExAC 0.00002.

Submission:

Labcorp Genetics (formerly Invitae), Labcorp
Classification: Uncertain significance. Last evaluated: 2022-11-15. Review status: criteria provided, single submitter. Criteria: Invitae Variant Classification Sherloc (09022015). Collection method: clinical testing. Allele origin: germline.
Comment: In summary, the available evidence is currently insufficient to determine the role of this variant in disease. Therefore, it has been classified as a Variant of Uncertain Significance. Algorithms developed to predict the effect of missense changes on protein structure and function (SIFT, PolyPhen-2, Align-GVGD) all suggest that this variant is likely to be tolerated. This variant has not been reported in the literature in individuals affected with RPL35-related conditions. This variant is present in population databases (rs778343400, gnomAD 0.003%). This sequence change replaces arginine, which is basic and polar, with glutamine, which is neutral and polar, at codon 112 of the RPL35 protein (p.Arg112Gln).

NM_007209.4(RPL35):c.335G>A (p.Arg112Gln)

Gene: RPL35 (ribosomal protein L35; minus strand). Cytogenetic location: 9q33.3.
Variant type: single nucleotide variant.
Coding change: c.335G>A on transcript NM_007209.4 (MANE Select); coding-DNA position 335, G replaced by A.
Protein change: p.Arg112Gln; replaces arginine 112 with glutamine.
Molecular consequence: missense variant.
Genome position (GRCh38, 1-based): chr9:124,857,955, C>T on the plus strand (G>A on the coding strand, the complement: RPL35 is on the minus strand). VCF-style: chr9-124857955-C-T. GRCh37 (hg19) VCF-style: chr9-127620234-C-T.
Other names: short protein forms R112Q.
Identifiers: ClinVar variation 2421494 (VCV002421494.6), dbSNP rs778343400, ClinGen allele CA5237176.
Genomic context (GRCh38, chr9:124,857,955, plus strand): 5'-GTGCTTTATTGACAATGCGCCCCTCAGGCCTTGACCGCGTACTTCCGCAGCGGGTACAGC[C>T]GCTCCTTCCGCTGCTGCTTCTTGGTCTTCAGGTTCTCCTCGTGCTTGTTGAGCCGGCGGC-3'
Protein context (NP_009140.1, residues 102-122): LKTKKQQRKE[Arg112Gln]LYPLRKYAVK